The following is an entry in ClinVar:

NM_032242.4(PLXNA1):c.526G>T (p.Gly176Trp)

Gene: PLXNA1 (plexin A1; plus strand). Cytogenetic location: 3q21.3.
Variant type: single nucleotide variant.
Coding change: c.526G>T on transcript NM_032242.4 (MANE Select); coding-DNA position 526, G replaced by T.
Protein change: p.Gly176Trp; replaces glycine 176 with tryptophan.
Molecular consequence: missense variant.
Genome position (GRCh38, 1-based): chr3:126,989,119, G>T. VCF-style: chr3-126989119-G-T. GRCh37 (hg19) VCF-style: chr3-126707962-G-T.
Other names: short protein forms G176W.
Identifiers: ClinVar variation 3349354 (VCV003349354.1).
Genomic context (GRCh38, chr3:126,989,119, plus strand): 5'-AAGGAGCACTACCTGTCCAGCGTGCAGGAGGCAGGCAGCATGGCGGGCGTGCTCATTGCC[G>T]GGCCACCGGGCCAGGGCCAGGCCAAGCTCTTCGTGGGCACACCCATCGATGGCAAGTCCG-3'
Protein context (NP_115618.3, residues 166-186): AGSMAGVLIA[Gly176Trp]PPGQGQAKLF

ClinVar aggregate classification (germline): Uncertain significance (0 of 4 stars; one submission).

Conditions:
PLXNA1-related disorder. Also called: PLXNA1-related condition.

Submission:

PreventionGenetics, part of Exact Sciences
Classification: Uncertain significance for PLXNA1-related condition. Last evaluated: 2023-11-17. Review status: no assertion criteria provided. Collection method: clinical testing. Allele origin: germline.
Comment: The PLXNA1 c.526G>T variant is predicted to result in the amino acid substitution p.Gly176Trp. To our knowledge, this variant has not been reported in the literature or in a large population database, indicating this variant is rare. At this time, the clinical significance of this variant is uncertain due to the absence of conclusive functional and genetic evidence.